The following is an entry in ClinVar:

ClinVar aggregate classification (germline): Uncertain significance (1 of 4 stars; one submission).

Conditions:
Cardiovascular phenotype. Identifiers: MedGen CN230736.

Submission:

Ambry Genetics
Classification: Uncertain significance for Cardiovascular phenotype. Last evaluated: 2025-08-03. Review status: criteria provided, single submitter. Criteria: Ambry Variant Classification Scheme 2023. Collection method: clinical testing. Allele origin: germline.
Comment: The p.L65F variant (also known as c.193C>T), located in coding exon 2 of the SPRED1 gene, results from a C to T substitution at nucleotide position 193. The leucine at codon 65 is replaced by phenylalanine, an amino acid with highly similar properties. This amino acid position is conserved. In addition, this alteration is predicted to be deleterious by in silico analysis. Based on the available evidence, the clinical significance of this variant remains unclear.

NM_152594.3(SPRED1):c.193C>T (p.Leu65Phe)

Gene: SPRED1 (sprouty related EVH1 domain containing 1; plus strand). Cytogenetic location: 15q14.
Variant type: single nucleotide variant.
Coding change: c.193C>T on transcript NM_152594.3 (MANE Select); coding-DNA position 193, C replaced by T.
Protein change: p.Leu65Phe; replaces leucine 65 with phenylalanine.
Molecular consequence: missense variant.
Genome position (GRCh38, 1-based): chr15:38,299,533, C>T. VCF-style: chr15-38299533-C-T. GRCh37 (hg19) VCF-style: chr15-38591734-C-T.
Other names: short protein forms L65F.
Identifiers: ClinVar variation 4174043 (VCV004174043.1).